The following is an entry in ClinVar:

NM_006440.5(TXNRD2):c.374+17G>A

Gene: TXNRD2 (thioredoxin reductase 2; minus strand). Cytogenetic location: 22q11.21.
Variant type: single nucleotide variant.
Coding change: c.374+17G>A on transcript NM_006440.5 (MANE Select); 17 bases into the intron after coding-DNA position 374, G replaced by A.
Molecular consequence: intron variant.
Genome position (GRCh38, 1-based): chr22:19,918,843, C>T on the plus strand (G>A on the coding strand, the complement: TXNRD2 is on the minus strand). VCF-style: chr22-19918843-C-T. GRCh37 (hg19) VCF-style: chr22-19906366-C-T.
Other names: c.371+17G>A (NM_001352300.2); c.86+17G>A (NM_001352302.2); c.284+17G>A (NM_001352301.2); c.374+17G>A (NM_001282512.3); c.278+17G>A (NM_001352303.2).
Identifiers: ClinVar variation 389764 (VCV000389764.9), dbSNP rs200108545, ClinGen allele CA10104242.

ClinVar aggregate classification (germline): Benign/Likely benign. Review status: criteria provided, multiple submitters, no conflicts (2 of 4 stars). 2 submissions from 2 submitters: Benign (1); Likely benign (1). Last evaluated 2026-01-23.

Conditions:
Primary dilated cardiomyopathy (DCM). Also called: Dilated Cardiomyopathy. Identifiers: Orphanet 217604, MedGen C0007193, MeSH D002311, MONDO:0005021, HP:0001644. Inheritance: Various modes of inheritance.

Allele frequency attached by ClinVar (database versions not stated): gnomAD exomes 0.00019; ESP Exome Variant Server 0.00055; gnomAD 0.00074 and 0.00080; 1000 Genomes Project 0.00080; TOPMed 0.00080; 1000 Genomes Project 30x 0.00094.
gnomAD v4.1: 229 of 1,604,394 alleles (0.014%); highest among the groups gnomAD compares: African/African-American, 0.27%; 1 homozygote.

Submissions (2):

Labcorp Genetics (formerly Invitae), Labcorp
Classification: Benign for Primary dilated cardiomyopathy. Last evaluated: 2026-01-23. Review status: criteria provided, single submitter. Criteria: Invitae Variant Classification Sherloc (09022015). Collection method: clinical testing. Allele origin: germline.

GeneDx
Classification: Likely benign. Last evaluated: 2018-02-01. Review status: criteria provided, single submitter. Criteria: GeneDx Variant Classification (06012015). Collection method: clinical testing. Allele origin: germline. Affected: yes.
Comment: This variant is considered likely benign or benign based on one or more of the following criteria: it is a conservative change, it occurs at a poorly conserved position in the protein, it is predicted to be benign by multiple in silico algorithms, and/or has population frequency not consistent with disease.